The following is an entry in ClinVar:

ClinVar aggregate classification (germline): Uncertain significance. Review status: criteria provided, multiple submitters, no conflicts (2 of 4 stars). 3 submissions from 3 submitters: Uncertain significance (3). Last evaluated 2026-03-11.

Conditions:
Inborn genetic diseases. Identifiers: MedGen C0950123, MeSH D030342.

Allele frequency attached by ClinVar (database versions not stated): gnomAD exomes below 0.00001; TOPMed below 0.00001; gnomAD 0.00001.
gnomAD v4.1: 8 of 1,614,044 alleles (0.0005%); highest among the groups gnomAD compares: Admixed American, 0.01%; no homozygotes.

Submissions (3):

Ambry Genetics
Classification: Uncertain significance for Inborn genetic diseases. Last evaluated: 2026-03-11. Review status: criteria provided, single submitter. Criteria: Ambry Variant Classification Scheme 2023. Collection method: clinical testing. Allele origin: germline.

Labcorp Genetics (formerly Invitae), Labcorp
Classification: Uncertain significance. Last evaluated: 2025-12-03. Review status: criteria provided, single submitter. Criteria: Invitae Variant Classification Sherloc (09022015). Collection method: clinical testing. Allele origin: germline.
Comment: This sequence change replaces phenylalanine, which is neutral and non-polar, with leucine, which is neutral and non-polar, at codon 448 of the FBLN5 protein (p.Phe448Leu). This variant is not present in population databases (gnomAD no frequency). This variant has not been reported in the literature in individuals affected with FBLN5-related conditions. ClinVar contains an entry for this variant (Variation ID: 1414456). Invitae Evidence Modeling of protein sequence and biophysical properties (such as structural, functional, and spatial information, amino acid conservation, physicochemical variation, residue mobility, and thermodynamic stability) indicates that this missense variant is expected to disrupt FBLN5 protein function with a positive predictive value of 80%. In summary, the available evidence is currently insufficient to determine the role of this variant in disease. Therefore, it has been classified as a Variant of Uncertain Significance.

Clinical Genetics Laboratory, Skane University Hospital Lund
Classification: Uncertain significance. Last evaluated: 2022-05-27. Review status: criteria provided, single submitter. Criteria: ACMG Guidelines, 2015. Collection method: clinical testing. Allele origin: germline. Affected: yes.

NM_006329.4(FBLN5):c.1342T>C (p.Phe448Leu)

Gene: FBLN5 (fibulin 5; minus strand). Cytogenetic location: 14q32.12.
Variant type: single nucleotide variant.
Coding change: c.1342T>C on transcript NM_006329.4 (MANE Select); coding-DNA position 1342, T replaced by C.
Protein change: p.Phe448Leu; replaces phenylalanine 448 with leucine.
Molecular consequence: missense variant. On other transcripts: 3 prime UTR variant (2).
Genome position (GRCh38, 1-based): chr14:91,870,229, A>G on the plus strand (T>C on the coding strand, the complement: FBLN5 is on the minus strand). VCF-style: chr14-91870229-A-G. GRCh37 (hg19) VCF-style: chr14-92336573-A-G.
Other names: c.1342T>C (NM_006329.3); c.1465T>C, p.Phe489Leu (NM_001384158.1); c.1393T>C, p.Phe465Leu (NM_001384159.1); c.*126T>C (NM_001384160.1, NM_001384161.1); c.1174T>C, p.Phe392Leu (NM_001384162.1); short protein forms F448L, F465L, F489L, F392L.
Identifiers: ClinVar variation 1414456 (VCV001414456.8), dbSNP rs1333126133, ClinGen allele CA390638926.